The following is an entry in ClinVar:

ClinVar aggregate classification (germline): Conflicting classifications of pathogenicity. Review status: criteria provided, conflicting classifications (1 of 4 stars). 10 submissions from 10 submitters: Uncertain significance (1); Benign (1); Likely benign (5). 3 of the submissions do not count toward it. Last evaluated 2026-01-11.

Conditions:
TTN-related disorder. Also called: TTN-related disorders; TTN-related condition; TTN-related disease.
Dilated cardiomyopathy 1G (CMD1G). Identifiers: Orphanet 154, MedGen C1858763, MONDO:0011400, OMIM 604145.
Autosomal recessive limb-girdle muscular dystrophy type 2J (LGMDR10). Also called: Limb-girdle muscular dystrophy, type 2J; MUSCULAR DYSTROPHY, LIMB-GIRDLE, AUTOSOMAL RECESSIVE 10. Identifiers: Orphanet 140922, MedGen C1837342, MONDO:0012127, OMIM 608807.

Allele frequency attached by ClinVar (database versions not stated): ESP Exome Variant Server 0.00008; gnomAD 0.00009; TOPMed 0.00009; ExAC 0.00007; gnomAD exomes 0.00009 and 0.00016.
gnomAD v4.1: 248 of 1,613,456 alleles (0.015%); highest among the groups gnomAD compares: East Asian, 0.049%; no homozygotes.

Submissions (10):

Labcorp Genetics (formerly Invitae), Labcorp
Classification: Likely benign for Dilated cardiomyopathy 1G; Autosomal recessive limb-girdle muscular dystrophy type 2J. Last evaluated: 2026-01-11. Review status: criteria provided, single submitter. Criteria: Invitae Variant Classification Sherloc (09022015). Collection method: clinical testing. Allele origin: germline.

Molecular Diagnostic Laboratory for Inherited Cardiovascular Disease, Montreal Heart Institute
Classification: Likely benign. Last evaluated: 2025-04-09. Review status: criteria provided, single submitter. Criteria: ACMG Guidelines, 2015. Collection method: clinical testing. Allele origin: germline. Affected: no.

Blueprint Genetics
Classification: Likely benign. Last evaluated: 2024-09-24. Review status: criteria provided, single submitter. Criteria: ACMG Guidelines, 2015. Collection method: clinical testing. Allele origin: germline.

CeGaT Center for Human Genetics Tuebingen
Classification: Likely benign. Last evaluated: 2024-09-01. Review status: criteria provided, single submitter. Criteria: CeGaT Center For Human Genetics Tuebingen Variant Classification Criteria Version 2. Collection method: clinical testing. Allele origin: germline. Affected: yes. Observed: 4 variant alleles.
Comment: TTN: BP4, BP7

Eurofins Ntd Llc (ga)
Classification: Uncertain significance. Last evaluated: 2015-09-22. Review status: criteria provided, single submitter. Criteria: EGL Classification Definitions 2015. Collection method: clinical testing. Allele origin: germline. Observed: 3 variant alleles, 3 heterozygotes.

GeneDx
Classification: Benign. Last evaluated: 2014-04-11. Review status: criteria provided, single submitter. Criteria: GeneDx Variant Classification (06012015). Collection method: clinical testing. Allele origin: germline. Affected: yes.
Comment: This variant is considered likely benign or benign based on one or more of the following criteria: it is a conservative change, it occurs at a poorly conserved position in the protein, it is predicted to be benign by multiple in silico algorithms, and/or has population frequency not consistent with disease.

Laboratory for Molecular Medicine, Mass General Brigham Personalized Medicine
Classification: Likely benign. Last evaluated: 2012-03-19. Review status: criteria provided, single submitter. Criteria: LMM Criteria. Collection method: clinical testing. Allele origin: germline. Observed: 2 variant alleles.
Comment: Ala7279Ala in exon 85 of TTN: This variant is not expected to have clinical sign ificance because it does not alter an amino acid residue and is not located with in the splice consensus sequence. It has been identified in 1/3180 African Ameri can chromosomes by the NHLBI Exome Sequencing Project (. edu/EVS).

PreventionGenetics, part of Exact Sciences
Classification: Likely benign for TTN-related condition. Last evaluated: 2022-04-20. Review status: no assertion criteria provided. Collection method: clinical testing. Allele origin: germline. Not counted in ClinVar's aggregate classification.
Comment: This variant is classified as likely benign based on ACMG/AMP sequence variant interpretation guidelines (Richards et al. 2015 PMID: 25741868, with internal and published modifications).

Clinical Genetics DNA and cytogenetics Diagnostics Lab, Erasmus MC, Erasmus Medical Center
Classification: Likely benign. Review status: no assertion criteria provided. Collection method: clinical testing. Allele origin: germline. Affected: yes. Study: VKGL Data-share Consensus. Not counted in ClinVar's aggregate classification.

Joint Genome Diagnostic Labs from Nijmegen and Maastricht, Radboudumc and MUMC+
Classification: Likely benign. Review status: no assertion criteria provided. Collection method: clinical testing. Allele origin: germline. Affected: yes. Study: VKGL Data-share Consensus. Not counted in ClinVar's aggregate classification.

NM_001267550.2(TTN):c.25569C>T (p.Ala8523=)

Gene: TTN (titin; minus strand). Cytogenetic location: 2q31.2.
Variant type: single nucleotide variant.
Coding change: c.25569C>T on transcript NM_001267550.2 (MANE Select); coding-DNA position 25569, C replaced by T.
Protein change: p.Ala8523=; no amino-acid change (alanine 8523 retained).
Molecular consequence: synonymous variant. On other transcripts: intron variant (3).
Genome position (GRCh38, 1-based): chr2:178,717,165, G>A on the plus strand (C>T on the coding strand, the complement: TTN is on the minus strand). VCF-style: chr2-178717165-G-A. GRCh37 (hg19) VCF-style: chr2-179581892-G-A.
Other names: c.24618C>T, p.Ala8206= (NM_001256850.1); c.21837C>T, p.Ala7279= (NM_133378.4); c.13282+20917C>T (NM_003319.4); c.13858+20917C>T (NM_133437.4); c.13657+20917C>T (NM_133432.3).
Identifiers: ClinVar variation 137844 (VCV000137844.48), dbSNP rs375022009, ClinGen allele CA211203.